The following is an entry in ClinVar:

ClinVar aggregate classification (germline): Likely pathogenic. Review status: criteria provided, multiple submitters, no conflicts (2 of 4 stars). 4 submissions from 4 submitters: Likely pathogenic (4). Last evaluated 2025-03-22.

Conditions:
Pontocerebellar hypoplasia type 6 (PCH6). Identifiers: Orphanet 166073, MedGen C1969084, MONDO:0012683, OMIM 611523.

Allele frequency attached by ClinVar (database versions not stated): ExAC 0.00001; gnomAD exomes below 0.00001.
gnomAD v4.1: 5 of 1,611,562 alleles (0.00031%); highest among the groups gnomAD compares: Non-Finnish European, 0.00042%; no homozygotes.

Submissions (4):

Natera, Inc.
Classification: Likely pathogenic for Pontocerebellar hypoplasia, type 6. Last evaluated: 2025-03-22. Review status: criteria provided, single submitter. Criteria: Natera Variant Classification Schema (03/2026). Collection method: clinical testing. Allele origin: germline.
Comment: The c.1237+1G>C variant in RARS2 is a canonical splice donor site variant predicted to affect pre-mRNA splicing, which may result in an abnormal transcript and altered protein product. This variant is expected to result in nonsense mediated decay, truncation, or a dysfunctional protein product. This variant is rare in the general population with a frequency below the threshold expected for the associated phenotype(s). Given the available evidence, this variant is classified as Likely Pathogenic.

Labcorp Genetics (formerly Invitae), Labcorp
Classification: Likely pathogenic. Last evaluated: 2024-02-17. Review status: criteria provided, single submitter. Criteria: Invitae Variant Classification Sherloc (09022015). Collection method: clinical testing. Allele origin: germline.
Comment: This sequence change affects a donor splice site in intron 14 of the RARS2 gene. It is expected to disrupt RNA splicing. Variants that disrupt the donor or acceptor splice site typically lead to a loss of protein function (PMID: 16199547), and loss-of-function variants in RARS2 are known to be pathogenic (PMID: 17847012, 22569581, 26083569). This variant is not present in population databases (gnomAD no frequency). This variant has not been reported in the literature in individuals affected with RARS2-related conditions. ClinVar contains an entry for this variant (Variation ID: 1801008). Algorithms developed to predict the effect of sequence changes on RNA splicing suggest that this variant may disrupt the consensus splice site. In summary, the currently available evidence indicates that the variant is pathogenic, but additional data are needed to prove that conclusively. Therefore, this variant has been classified as Likely Pathogenic.

GeneDx
Classification: Likely pathogenic. Last evaluated: 2023-10-16. Review status: criteria provided, single submitter. Criteria: GeneDx Variant Classification Process June 2021. Collection method: clinical testing. Allele origin: germline.
Comment: Canonical splice site variant predicted to result in a null allele in a gene for which loss of function is a known mechanism of disease; Not observed at significant frequency in large population cohorts (gnomAD); Has not been previously published as pathogenic or benign to our knowledge

Baylor Genetics
Classification: Likely pathogenic for Pontocerebellar hypoplasia type 6. Last evaluated: 2023-03-15. Review status: criteria provided, single submitter. Criteria: ACMG Guidelines, 2015. Collection method: clinical testing. Allele origin: unknown.

Literature cited by the submitters: PubMed 16199547 (cited by Labcorp Genetics (formerly Invitae), Labcorp); PubMed 17847012 (cited by Labcorp Genetics (formerly Invitae), Labcorp); PubMed 22569581 (cited by Labcorp Genetics (formerly Invitae), Labcorp); PubMed 26083569 (cited by Labcorp Genetics (formerly Invitae), Labcorp).

NM_020320.5(RARS2):c.1237+1G>C

Gene: RARS2 (arginyl-tRNA synthetase 2, mitochondrial; minus strand). Cytogenetic location: 6q15.
Variant type: single nucleotide variant.
Coding change: c.1237+1G>C on transcript NM_020320.5 (MANE Select); the canonical splice donor site of the intron after coding-DNA position 1237, G replaced by C.
Molecular consequence: splice donor variant.
Genome position (GRCh38, 1-based): chr6:87,519,582, C>G on the plus strand (G>C on the coding strand, the complement: RARS2 is on the minus strand). VCF-style: chr6-87519582-C-G. GRCh37 (hg19) VCF-style: chr6-88229300-C-G.
Other names: c.1237+1G>C (NM_020320.4, NM_001350505.2); c.712+1G>C (NM_001350509.2, NM_001318785.2, NM_001350506.2 and 4 more transcripts).
Identifiers: ClinVar variation 1801008 (VCV001801008.6), dbSNP rs759922477, ClinGen allele CA3916364.